The following is an entry in ClinVar:

NM_020549.5(CHAT):c.548T>C (p.Leu183Pro)

Gene: CHAT (choline O-acetyltransferase; plus strand). Cytogenetic location: 10q11.23.
Variant type: single nucleotide variant.
Coding change: c.548T>C on transcript NM_020549.5 (MANE Select); coding-DNA position 548, T replaced by C.
Protein change: p.Leu183Pro; replaces leucine 183 with proline.
Molecular consequence: missense variant.
Genome position (GRCh38, 1-based): chr10:49,619,885, T>C. VCF-style: chr10-49619885-T-C. GRCh37 (hg19) VCF-style: chr10-50827931-T-C.
Other names: c.194T>C, p.Leu65Pro (NM_001142929.2, NM_001142934.2, NM_020984.4 and 2 more transcripts); c.302T>C, p.Leu101Pro (NM_001142933.2); short protein forms L65P, L101P, L183P.
Identifiers: ClinVar variation 2038846 (VCV002038846.4), dbSNP rs1484911324, ClinGen allele CA376727038.

ClinVar aggregate classification (germline): Uncertain significance (1 of 4 stars; one submission).

Conditions:
Familial infantile myasthenia (CMS6). Also called: Congenital myasthenic syndrome type 6; MYASTHENIC SYNDROME, PRESYNAPTIC, CONGENITAL, ASSOCIATED WITH EPISODIC APNEA; MYASTHENIC SYNDROME, CONGENITAL, 6, PRESYNAPTIC. Identifiers: Orphanet 590, MedGen C0393929, MONDO:0009689, OMIM 254210.

Allele frequency attached by ClinVar (database versions not stated): gnomAD exomes below 0.00001.

Submission:

Labcorp Genetics (formerly Invitae), Labcorp
Classification: Uncertain significance for Familial infantile myasthenia. Last evaluated: 2021-12-09. Review status: criteria provided, single submitter. Criteria: Invitae Variant Classification Sherloc (09022015). Collection method: clinical testing. Allele origin: germline.
Comment: In summary, the available evidence is currently insufficient to determine the role of this variant in disease. Therefore, it has been classified as a Variant of Uncertain Significance. Advanced modeling of protein sequence and biophysical properties (such as structural, functional, and spatial information, amino acid conservation, physicochemical variation, residue mobility, and thermodynamic stability) performed at Invitae indicates that this missense variant is expected to disrupt CHAT protein function. This variant has not been reported in the literature in individuals affected with CHAT-related conditions. This variant is not present in population databases (gnomAD no frequency). This sequence change replaces leucine, which is neutral and non-polar, with proline, which is neutral and non-polar, at codon 183 of the CHAT protein (p.Leu183Pro).